The following is an entry in ClinVar:

NM_001379500.1(COL18A1):c.469G>A (p.Ala157Thr)

Gene: COL18A1 (collagen type XVIII alpha 1 chain; plus strand). Cytogenetic location: 21q22.3.
Variant type: single nucleotide variant.
Coding change: c.469G>A on transcript NM_001379500.1 (MANE Select); coding-DNA position 469, G replaced by A.
Protein change: p.Ala157Thr; replaces alanine 157 with threonine.
Molecular consequence: missense variant.
Genome position (GRCh38, 1-based): chr21:45,468,604, G>A. VCF-style: chr21-45468604-G-A. GRCh37 (hg19) VCF-style: chr21-46888518-G-A.
Other names: NM_130445.2:c.469G>A; c.1009G>A, p.Ala337Thr (NM_030582.4); c.1714G>A, p.Ala572Thr (NM_130444.3); short protein forms A337T, A572T, A157T.
Identifiers: ClinVar variation 1372216 (VCV001372216.9), dbSNP rs956137597, ClinGen allele CA321906310.

ClinVar aggregate classification (germline): Uncertain significance. Review status: criteria provided, multiple submitters, no conflicts (2 of 4 stars). 3 submissions from 3 submitters: Uncertain significance (3). Last evaluated 2026-01-12.

Conditions:
Inborn genetic diseases. Identifiers: MedGen C0950123, MeSH D030342.

Allele frequency attached by ClinVar (database versions not stated): TOPMed below 0.00001; gnomAD exomes 0.00001.
gnomAD v4.1: 8 of 1,613,762 alleles (0.0005%); highest among the groups gnomAD compares: Admixed American, 0.005%; no homozygotes.

Submissions (3):

Labcorp Genetics (formerly Invitae), Labcorp
Classification: Uncertain significance. Last evaluated: 2026-01-12. Review status: criteria provided, single submitter. Criteria: Invitae Variant Classification Sherloc (09022015). Collection method: clinical testing. Allele origin: germline.
Comment: This sequence change replaces alanine, which is neutral and non-polar, with threonine, which is neutral and polar, at codon 157 of the COL18A1 protein (p.Ala157Thr). This variant is present in population databases (no rsID available, gnomAD 0.003%). This variant has not been reported in the literature in individuals affected with COL18A1-related conditions. ClinVar contains an entry for this variant (Variation ID: 1372216). Experimental studies and prediction algorithms are not available or were not evaluated, and the functional significance of this variant is currently unknown. In summary, the available evidence is currently insufficient to determine the role of this variant in disease. Therefore, it has been classified as a Variant of Uncertain Significance.

Women's Health and Genetics/Laboratory Corporation of America, LabCorp
Classification: Uncertain significance. Last evaluated: 2025-12-30. Review status: criteria provided, single submitter. Criteria: LabCorp Variant Classification Summary - May 2015. Collection method: clinical testing. Allele origin: germline.
Comment: Variant summary: COL18A1 c.469G>A (p.Ala157Thr) results in a non-conservative amino acid change located in the collagenase NC10/endostatin domain (IPR010515) of the encoded protein sequence. Algorithms developed to predict the effect of missense changes on protein structure and function are either unavailable or do not agree on the potential impact of this missense change. The variant allele was found at a frequency of 8e-06 in 248984 control chromosomes. The available data on variant occurrences in the general population are insufficient to allow any conclusion about variant significance. To our knowledge, no occurrence of c.469G>A in individuals affected with COL18A1-related conditions and no experimental evidence demonstrating its impact on protein function have been reported. ClinVar contains an entry for this variant (Variation ID: 1372216). Based on the evidence outlined above, the variant was classified as uncertain significance.

Ambry Genetics
Classification: Uncertain significance for Inborn genetic diseases. Last evaluated: 2021-07-14. Review status: criteria provided, single submitter. Criteria: Ambry Variant Classification Scheme 2023. Collection method: clinical testing. Allele origin: germline.